The following is an entry in ClinVar:

ClinVar aggregate classification (germline): Uncertain significance (1 of 4 stars; one submission).

Conditions:
Dilated cardiomyopathy 1O (CMD1O). Also called: CARDIOMYOPATHY, DILATED, WITH VENTRICULAR TACHYCARDIA. Identifiers: Orphanet 154, MedGen C1837839, MONDO:0012062, OMIM 608569.

Submission:

Labcorp Genetics (formerly Invitae), Labcorp
Classification: Uncertain significance for Dilated cardiomyopathy 1O. Last evaluated: 2024-07-24. Review status: criteria provided, single submitter. Criteria: Invitae Variant Classification Sherloc (09022015). Collection method: clinical testing. Allele origin: germline.
Comment: This sequence change falls in intron 16 of the ABCC9 gene. It does not directly change the encoded amino acid sequence of the ABCC9 protein. It affects a nucleotide within the consensus splice site. This variant is not present in population databases (gnomAD no frequency). This variant has not been reported in the literature in individuals affected with ABCC9-related conditions. Variants that disrupt the consensus splice site are a relatively common cause of aberrant splicing (PMID: 17576681, 9536098). Algorithms developed to predict the effect of sequence changes on RNA splicing suggest that this variant may disrupt the consensus splice site. In summary, the available evidence is currently insufficient to determine the role of this variant in disease. Therefore, it has been classified as a Variant of Uncertain Significance.

Literature cited by the submitters: PubMed 17576681; PubMed 9536098.

NM_020297.4(ABCC9):c.2199-3C>A

Gene: ABCC9 (ATP binding cassette subfamily C member 9; minus strand). Cytogenetic location: 12p12.1.
Variant type: single nucleotide variant.
Coding change: c.2199-3C>A on transcript NM_020297.4 (MANE Select); 3 bases into the intron before coding-DNA position 2199, C replaced by A.
Molecular consequence: intron variant.
Genome position (GRCh38, 1-based): chr12:21,864,480, G>T on the plus strand (C>A on the coding strand, the complement: ABCC9 is on the minus strand). VCF-style: chr12-21864480-G-T. GRCh37 (hg19) VCF-style: chr12-22017414-G-T.
Other names: c.1335-3C>A (NM_001377274.1); c.2199-3C>A (NM_005691.4, NM_001377273.1).
Identifiers: ClinVar variation 3660476 (VCV003660476.2).